The following is an entry in ClinVar:

ClinVar aggregate classification (germline): Uncertain significance. Review status: criteria provided, multiple submitters, no conflicts (2 of 4 stars). 2 submissions from 2 submitters: Uncertain significance (2). Last evaluated 2025-03-20.

gnomAD v4.1: 52 of 1,613,860 alleles (0.0032%); highest among the groups gnomAD compares: Admixed American, 0.012%; no homozygotes.

Submissions (2):

Mayo Clinic Laboratories, Mayo Clinic
Classification: Uncertain significance. Last evaluated: 2025-03-20. Review status: criteria provided, single submitter. Criteria: ACMG Guidelines, 2015. Collection method: clinical testing. Allele origin: germline. Observed: 1 variant allele.
Comment: BP4

Ambry Genetics
Classification: Uncertain significance. Last evaluated: 2024-05-13. Review status: criteria provided, single submitter. Criteria: Ambry Variant Classification Scheme 2023. Collection method: clinical testing. Allele origin: germline.

NM_001465.6(FYB1):c.17C>T (p.Thr6Met)

Gene: FYB1 (FYN binding protein 1; minus strand). Cytogenetic location: 5p13.1.
Variant type: single nucleotide variant.
Coding change: c.17C>T on transcript NM_001465.6 (MANE Select); coding-DNA position 17, C replaced by T.
Protein change: p.Thr6Met; replaces threonine 6 with methionine.
Molecular consequence: missense variant.
Genome position (GRCh38, 1-based): chr5:39,202,944, G>A on the plus strand (C>T on the coding strand, the complement: FYB1 is on the minus strand). VCF-style: chr5-39202944-G-A. GRCh37 (hg19) VCF-style: chr5-39203046-G-A.
Other names: p.Thr6Met; c.47C>T, p.Thr16Met (NM_001243093.2, NM_018594.2); c.17C>T, p.Thr6Met (NM_001349333.2, NM_199335.5); short protein forms T16M, T6M.
Identifiers: ClinVar variation 3280256 (VCV003280256.2).